The following is an entry in ClinVar:

ClinVar aggregate classification (germline): Uncertain significance (1 of 4 stars; one submission).

Submission:

Labcorp Genetics (formerly Invitae), Labcorp
Classification: Uncertain significance. Last evaluated: 2022-02-10. Review status: criteria provided, single submitter. Criteria: Invitae Variant Classification Sherloc (09022015). Collection method: clinical testing. Allele origin: germline.
Comment: In summary, the available evidence is currently insufficient to determine the role of this variant in disease. Therefore, it has been classified as a Variant of Uncertain Significance. Algorithms developed to predict the effect of missense changes on protein structure and function are either unavailable or do not agree on the potential impact of this missense change (SIFT: "Not Available"; PolyPhen-2: "Benign"; Align-GVGD: "Not Available"). This variant has not been reported in the literature in individuals affected with LCT-related conditions. This variant is not present in population databases (gnomAD no frequency). This sequence change replaces proline, which is neutral and non-polar, with serine, which is neutral and polar, at codon 873 of the LCT protein (p.Pro873Ser).

NM_002299.4(LCT):c.2617C>T (p.Pro873Ser)

Gene: LCT (lactase; minus strand). Cytogenetic location: 2q21.3.
Variant type: single nucleotide variant.
Coding change: c.2617C>T on transcript NM_002299.4 (MANE Select); coding-DNA position 2617, C replaced by T.
Protein change: p.Pro873Ser; replaces proline 873 with serine.
Molecular consequence: missense variant.
Genome position (GRCh38, 1-based): chr2:135,809,730, G>A on the plus strand (C>T on the coding strand, the complement: LCT is on the minus strand). VCF-style: chr2-135809730-G-A. GRCh37 (hg19) VCF-style: chr2-136567300-G-A.
Other names: short protein forms P873S.
Identifiers: ClinVar variation 1476483 (VCV001476483.8), dbSNP rs2105534732, ClinGen allele CA348602236.